The following is an entry in ClinVar:

ClinVar aggregate classification (germline): Conflicting classifications of pathogenicity. Review status: criteria provided, conflicting classifications (1 of 4 stars). 2 submissions from 2 submitters: Uncertain significance (1); Likely benign (1). Last evaluated 2025-06-27.

Conditions:
Dextro-looped transposition of the great arteries. Also called: Dextrotransposition of the great arteries. Identifiers: Orphanet 860, MedGen C3531771, MONDO:0019443, OMIM 608808, HP:0031348.

gnomAD v4.1: 3 of 1,613,762 alleles (0.00019%); highest among the groups gnomAD compares: African/African-American, 0.0013%; no homozygotes.

Submissions (2):

Labcorp Genetics (formerly Invitae), Labcorp
Classification: Likely benign for Dextro-looped transposition of the great arteries. Last evaluated: 2025-06-27. Review status: criteria provided, single submitter. Criteria: Invitae Variant Classification Sherloc (09022015). Collection method: clinical testing. Allele origin: germline.

Dasa
Classification: Uncertain significance. Last evaluated: 2024-10-08. Review status: criteria provided, single submitter. Criteria: DASA Assertion Criteria. Collection method: clinical testing. Allele origin: germline.
Comment: NM_015335.5(MED13L):c.5377A>G (p.Ile1793Val) is a missense variant that results in the substitution of isoleucine with valine. This variant is rare in population databases. Computational prediction algorithms are consistent with a benign effect. The currently available literature and clinical evidence are not sufficient to establish a definitive association between this variant and the reported condition. Therefore, this variant is classified as a variant of uncertain significance.

NM_015335.5(MED13L):c.5377A>G (p.Ile1793Val)

Gene: MED13L (mediator complex subunit 13L; minus strand). Cytogenetic location: 12q24.21.
Variant type: single nucleotide variant.
Coding change: c.5377A>G on transcript NM_015335.5 (MANE Select); coding-DNA position 5377, A replaced by G.
Protein change: p.Ile1793Val; replaces isoleucine 1793 with valine.
Molecular consequence: missense variant.
Genome position (GRCh38, 1-based): chr12:115,975,726, T>C on the plus strand (A>G on the coding strand, the complement: MED13L is on the minus strand). VCF-style: chr12-115975726-T-C. GRCh37 (hg19) VCF-style: chr12-116413531-T-C.
Other names: short protein forms I1793V.
Identifiers: ClinVar variation 4806009 (VCV004806009.3).